The following is an entry in ClinVar:

ClinVar aggregate classification (germline): Uncertain significance (1 of 4 stars; one submission).

Allele frequency attached by ClinVar (database versions not stated): ExAC 0.00002; gnomAD 0.00003; TOPMed 0.00004; ESP Exome Variant Server 0.00008.
gnomAD v4.1: 61 of 1,613,922 alleles (0.0038%); highest among the groups gnomAD compares: Middle Eastern, 0.016%; no homozygotes.

Submission:

Labcorp Genetics (formerly Invitae), Labcorp
Classification: Uncertain significance. Last evaluated: 2024-07-02. Review status: criteria provided, single submitter. Criteria: Invitae Variant Classification Sherloc (09022015). Collection method: clinical testing. Allele origin: germline.
Comment: This sequence change replaces arginine, which is basic and polar, with glutamine, which is neutral and polar, at codon 1211 of the DSCAML1 protein (p.Arg1211Gln). The frequency data for this variant in the population databases is considered unreliable, as metrics indicate poor data quality at this position in the gnomAD database. This variant has not been reported in the literature in individuals affected with DSCAML1-related conditions. ClinVar contains an entry for this variant (Variation ID: 1905435). An algorithm developed to predict the effect of missense changes on protein structure and function (PolyPhen-2) suggests that this variant is likely to be tolerated. In summary, the available evidence is currently insufficient to determine the role of this variant in disease. Therefore, it has been classified as a Variant of Uncertain Significance.

NM_020693.4(DSCAML1):c.3452G>A (p.Arg1151Gln)

Gene: DSCAML1 (DS cell adhesion molecule like 1; minus strand). Cytogenetic location: 11q23.3.
Variant type: single nucleotide variant.
Coding change: c.3452G>A on transcript NM_020693.4 (MANE Select); coding-DNA position 3452, G replaced by A.
Protein change: p.Arg1151Gln; replaces arginine 1151 with glutamine.
Molecular consequence: missense variant.
Genome position (GRCh38, 1-based): chr11:117,458,870, C>T on the plus strand (G>A on the coding strand, the complement: DSCAML1 is on the minus strand). VCF-style: chr11-117458870-C-T. GRCh37 (hg19) VCF-style: chr11-117329586-C-T.
Other names: short protein forms R1151Q.
Identifiers: ClinVar variation 1905435 (VCV001905435.5), dbSNP rs141024479, ClinGen allele CA6296676.
Genomic context (GRCh38, chr11:117,458,870, plus strand): 5'-GTGTAGGCCAGCACCTGGACGCTGTAGTTGGTGAACTTCTCCATGCCCCGCAGCTCCACC[C>T]GCTCCCGCGTGGTGGTGATGTTCTGCATCTCGCCCCACTCTGCCAGAGACCAGCAAACTC-3'
Protein context (NP_065744.3, residues 1141-1161): EMQNITTTRE[Arg1151Gln]VELRGMEKFT